The following is an entry in ClinVar:

NM_015047.3(EMC1):c.770G>A (p.Arg257Lys)

Genes: EMC1 (ER membrane protein complex subunit 1; minus strand), EMC1-AS1 (EMC1 antisense RNA 1; plus strand). Cytogenetic location: 1p36.13.
Variant type: single nucleotide variant.
Coding change: c.770G>A on transcript NM_015047.3 (MANE Select); coding-DNA position 770, G replaced by A.
Protein change: p.Arg257Lys; replaces arginine 257 with lysine.
Molecular consequence: missense variant. On other transcripts: non-coding transcript variant (1).
Genome position (GRCh38, 1-based): chr1:19,240,313, C>T on the plus strand (G>A on the coding strand, the complement: EMC1 is on the minus strand). VCF-style: chr1-19240313-C-T. GRCh37 (hg19) VCF-style: chr1-19566807-C-T.
Other names: c.770G>A, p.Arg257Lys (NM_001271427.2, NM_001271428.2, NM_001375820.1 and 1 more transcripts); c.704G>A, p.Arg235Lys (NM_001271429.2); short protein forms R235K, R257K.
Identifiers: ClinVar variation 956371 (VCV000956371.9), dbSNP rs986694857, ClinGen allele CA18822258.
Genomic context (GRCh38, chr1:19,240,313, plus strand): 5'-GCAGGAAATGCCTCAGGCCAGAAGAAGCAGTGGCAGCCTCTCACCTGCAGTGGGATCTGT[C>T]TCAACTCCCATTCCGTCTCCAGAGCCAAAGTTTGGAGGGAACGTGAGCTCGGGTCAGGAC-3'
Protein context (NP_055862.1, residues 247-267): TLALETEWEL[Arg257Lys]QIPLQSLDLE

ClinVar aggregate classification (germline): Uncertain significance (1 of 4 stars; one submission).

Submission:

Labcorp Genetics (formerly Invitae), Labcorp
Classification: Uncertain significance. Last evaluated: 2023-09-10. Review status: criteria provided, single submitter. Criteria: Invitae Variant Classification Sherloc (09022015). Collection method: clinical testing. Allele origin: germline.
Comment: This sequence change replaces arginine, which is basic and polar, with lysine, which is basic and polar, at codon 257 of the EMC1 protein (p.Arg257Lys). In summary, the available evidence is currently insufficient to determine the role of this variant in disease. Therefore, it has been classified as a Variant of Uncertain Significance. Advanced modeling of protein sequence and biophysical properties (such as structural, functional, and spatial information, amino acid conservation, physicochemical variation, residue mobility, and thermodynamic stability) performed at Invitae indicates that this missense variant is not expected to disrupt EMC1 protein function. ClinVar contains an entry for this variant (Variation ID: 956371). This variant has not been reported in the literature in individuals affected with EMC1-related conditions. This variant is not present in population databases (gnomAD no frequency).